The following is an entry in ClinVar:

NM_207037.2(TCF12):c.361A>G (p.Ser121Gly)

Gene: TCF12 (transcription factor 12; plus strand). Cytogenetic location: 15q21.3.
Variant type: single nucleotide variant.
Coding change: c.361A>G on transcript NM_207037.2 (MANE Select); coding-DNA position 361, A replaced by G.
Protein change: p.Ser121Gly; replaces serine 121 with glycine.
Molecular consequence: missense variant. On other transcripts: 5 prime UTR variant (1).
Genome position (GRCh38, 1-based): chr15:57,166,437, A>G. VCF-style: chr15-57166437-A-G. GRCh37 (hg19) VCF-style: chr15-57458635-A-G.
Other names: c.361A>G, p.Ser121Gly (NM_001322151.2, NM_001322152.2, NM_001322157.3 and 7 more transcripts); c.-292A>G (NM_001322154.2); c.187A>G, p.Ser63Gly (NM_001322156.2, NM_001322158.2); c.397A>G, p.Ser133Gly (NM_001322164.2); short protein forms S121G, S63G, S133G.
Identifiers: ClinVar variation 4705921 (VCV004705921.1).

ClinVar aggregate classification (germline): Uncertain significance (1 of 4 stars; one submission).

gnomAD v4.1: 5 of 1,613,088 alleles (0.00031%); highest among the groups gnomAD compares: Admixed American, 0.0067%; no homozygotes.

Submission:

Labcorp Genetics (formerly Invitae), Labcorp
Classification: Uncertain significance. Last evaluated: 2025-07-21. Review status: criteria provided, single submitter. Criteria: Invitae Variant Classification Sherloc (09022015). Collection method: clinical testing. Allele origin: germline.
Comment: This sequence change replaces serine, which is neutral and polar, with glycine, which is neutral and non-polar, at codon 121 of the TCF12 protein (p.Ser121Gly). This variant is present in population databases (rs778005231, gnomAD 0.01%). This variant has not been reported in the literature in individuals affected with TCF12-related conditions. An algorithm developed to predict the effect of missense changes on protein structure and function (PolyPhen-2) suggests that this variant is likely to be tolerated. In summary, the available evidence is currently insufficient to determine the role of this variant in disease. Therefore, it has been classified as a Variant of Uncertain Significance.